The following is an entry in ClinVar:

NM_177438.3(DICER1):c.439G>A (p.Val147Ile)

Gene: DICER1 (dicer 1, ribonuclease III; minus strand). Cytogenetic location: 14q32.13.
Variant type: single nucleotide variant.
Coding change: c.439G>A on transcript NM_177438.3 (MANE Select); coding-DNA position 439, G replaced by A.
Protein change: p.Val147Ile; replaces valine 147 with isoleucine.
Molecular consequence: missense variant. On other transcripts: 5 prime UTR variant (1), non-coding transcript variant (6), intron variant (1).
Genome position (GRCh38, 1-based): chr14:95,130,192, C>T on the plus strand (G>A on the coding strand, the complement: DICER1 is on the minus strand). VCF-style: chr14-95130192-C-T. GRCh37 (hg19) VCF-style: chr14-95596529-C-T.
Other names: c.439G>A, p.Val147Ile (NM_001195573.1, NM_001271282.3, NM_001291628.2 and 15 more transcripts); c.157G>A, p.Val53Ile (NM_001395686.1); c.34G>A, p.Val12Ile (NM_001395687.1, NM_001395688.1, NM_001395689.1 and 3 more transcripts); c.-1130G>A (NM_001395697.1); c.-20-109G>A (NM_001395691.1); short protein forms V12I, V53I, V147I.
Identifiers: ClinVar variation 2903383 (VCV002903383.4), dbSNP rs1566811995, ClinGen allele CA390888618.

ClinVar aggregate classification (germline): Uncertain significance. Review status: criteria provided, multiple submitters, no conflicts (2 of 4 stars). 2 submissions from 2 submitters: Uncertain significance (2). Last evaluated 2023-10-12.

Conditions:
Hereditary cancer-predisposing syndrome. Also called: Hereditary Cancer Syndrome; Tumor predisposition; Neoplastic Syndromes, Hereditary; Hereditary neoplastic syndrome. Identifiers: Orphanet 140162, MedGen C0027672, MeSH D009386, MONDO:0015356.
DICER1-related tumor predisposition. Also called: DICER1-related pleuropulmonary blastoma cancer predisposition syndrome; DICER1 syndrome. Identifiers: Orphanet 284343, MedGen C3839822, MONDO:0100216.

gnomAD v4.1: 2 of 1,611,864 alleles (0.00012%); highest among the groups gnomAD compares: Non-Finnish European, 0.00017%; no homozygotes.

Submissions (2):

Ambry Genetics
Classification: Uncertain significance for Hereditary cancer-predisposing syndrome. Last evaluated: 2023-10-12. Review status: criteria provided, single submitter. Criteria: Ambry Variant Classification Scheme 2023. Collection method: clinical testing. Allele origin: germline.
Comment: The p.V147I variant (also known as c.439G>A) is located in coding exon 4 of the DICER1 gene. The valine at codon 147 is replaced by isoleucine, an amino acid with highly similar properties. This change occurs in the first base pair of coding exon 4. This amino acid position is conserved. In addition, this alteration is predicted to be tolerated by in silico analysis. Since supporting evidence is limited at this time, the clinical significance of this alteration remains unclear.

Labcorp Genetics (formerly Invitae), Labcorp
Classification: Uncertain significance for DICER1-related tumor predisposition. Last evaluated: 2023-05-25. Review status: criteria provided, single submitter. Criteria: Invitae Variant Classification Sherloc (09022015). Collection method: clinical testing. Allele origin: germline.
Comment: This sequence change replaces valine, which is neutral and non-polar, with isoleucine, which is neutral and non-polar, at codon 147 of the DICER1 protein (p.Val147Ile). This variant is not present in population databases (gnomAD no frequency). This variant has not been reported in the literature in individuals affected with DICER1-related conditions. An algorithm developed to predict the effect of missense changes on protein structure and function (PolyPhen-2) suggests that this variant is likely to be disruptive. In summary, the available evidence is currently insufficient to determine the role of this variant in disease. Therefore, it has been classified as a Variant of Uncertain Significance.